The following is an entry in ClinVar:

NM_005219.5(DIAPH1):c.2615A>G (p.Gln872Arg)

Gene: DIAPH1 (diaphanous related formin 1; minus strand). Cytogenetic location: 5q31.3.
Variant type: single nucleotide variant.
Coding change: c.2615A>G on transcript NM_005219.5 (MANE Select); coding-DNA position 2615, A replaced by G.
Protein change: p.Gln872Arg; replaces glutamine 872 with arginine.
Molecular consequence: missense variant.
Genome position (GRCh38, 1-based): chr5:141,529,664, T>C on the plus strand (A>G on the coding strand, the complement: DIAPH1 is on the minus strand). VCF-style: chr5-141529664-T-C. GRCh37 (hg19) VCF-style: chr5-140909231-T-C.
Other names: c.2588A>G, p.Gln863Arg (NM_001079812.3); c.2615A>G, p.Gln872Arg (NM_001314007.2); short protein forms Q863R, Q872R.
Identifiers: ClinVar variation 3751126 (VCV003751126.2).

ClinVar aggregate classification (germline): Uncertain significance (1 of 4 stars; one submission).

Conditions:
Autosomal dominant nonsyndromic hearing loss 1. Also called: KONIGSMARK SYNDROME; DEAFNESS, AUTOSOMAL DOMINANT 1, WITH OR WITHOUT THROMBOCYTOPENIA. Identifiers: Orphanet 90635, MedGen C1852282, MONDO:0007424, OMIM 124900.
Progressive microcephaly-seizures-cortical blindness-developmental delay syndrome. Also called: Seizures, cortical blindness, and microcephaly syndrome. Identifiers: Orphanet 477814, MedGen C5567650, MONDO:0014714, OMIM 616632.

Submission:

Labcorp Genetics (formerly Invitae), Labcorp
Classification: Uncertain significance for Progressive microcephaly-seizures-cortical blindness-developmental delay syndrome; Autosomal dominant nonsyndromic hearing loss 1. Last evaluated: 2024-11-07. Review status: criteria provided, single submitter. Criteria: Invitae Variant Classification Sherloc (09022015). Collection method: clinical testing. Allele origin: germline.
Comment: This sequence change replaces glutamine, which is neutral and polar, with arginine, which is basic and polar, at codon 872 of the DIAPH1 protein (p.Gln872Arg). This variant is not present in population databases (gnomAD no frequency). This variant has not been reported in the literature in individuals affected with DIAPH1-related conditions. An algorithm developed to predict the effect of missense changes on protein structure and function (PolyPhen-2) suggests that this variant is likely to be tolerated. In summary, the available evidence is currently insufficient to determine the role of this variant in disease. Therefore, it has been classified as a Variant of Uncertain Significance.